The following is an entry in ClinVar:

NM_005334.3(HCFC1):c.1583C>T (p.Pro528Leu)

Gene: HCFC1 (host cell factor C1; minus strand). Cytogenetic location: Xq28.
Variant type: single nucleotide variant.
Coding change: c.1583C>T on transcript NM_005334.3 (MANE Select); coding-DNA position 1583, C replaced by T.
Protein change: p.Pro528Leu; replaces proline 528 with leucine.
Molecular consequence: missense variant.
Genome position (GRCh38, 1-based): chrX:153,959,353, G>A on the plus strand (C>T on the coding strand, the complement: HCFC1 is on the minus strand). VCF-style: chrX-153959353-G-A. GRCh37 (hg19) VCF-style: chrX-153224804-G-A.
Other names: short protein forms P528L.
Identifiers: ClinVar variation 1699032 (VCV001699032.3), dbSNP rs2148586729, ClinGen allele CA415138777.
Genomic context (GRCh38, chrX:153,959,353, plus strand): 5'-AACAGGAAATCCCACCCGCCCCAGTGACCACTCCTCACCGTTCCCTGGGCACTCTGTGTT[G>A]GCACAACCATCCGCACTCCGGCGGGAAGGGAGGTCACGGTGACAGGGGCTTTCCCAGCCT-3'
Protein context (NP_005325.2, residues 518-538): SLPAGVRMVV[Pro528Leu]TQSAQGTVIG

ClinVar aggregate classification (germline): Uncertain significance (1 of 4 stars; one submission).

Conditions:
X-linked intellectual disability (XLID). Also called: INTELLECTUAL DEVELOPMENTAL DISORDER, X-LINKED; Mental retardation, X-linked. Identifiers: MedGen C1136249, MONDO:0100284.

Submission:

Victorian Clinical Genetics Services, Murdoch Childrens Research Institute
Classification: Uncertain significance for X-linked intellectual disability. Last evaluated: 2022-02-02. Review status: criteria provided, single submitter. Criteria: ACMG Guidelines, 2015. Collection method: clinical testing. Allele origin: germline. Inheritance: X-linked recessive inheritance. Affected: yes.
Comment: Based on the classification scheme VCGS_Germline_v1.3.4, this variant is classified as VUS-3B. Following criteria are met: 0103 - Loss of function and gain of function are reported mechanisms of disease in this gene and are associated with HCFC1-related intellectual disability (MIM#309541). Loss of function has been shown to result from missense variants (PMID: 25740848), whereas gain of function has been associated to a variant located in the 5’-UTR (PMID: 23000143). (I) 0109 - This gene is associated with X-linked recessive disease. (I) 0200 - Variant is predicted to result in a missense amino acid change from proline to leucine. (I) 0253 - This variant is hemizygous. (I) 0301 - Variant is absent from gnomAD (both v2 and v3). (SP) 0502 - Missense variant with conflicting in silico predictions and uninformative conservation. (I) 0603 - Missense variant in a region that is highly intolerant to missense variation (high constraint region in DECIPHER). (SP) 0705 - No comparable missense variants have previous evidence for pathogenicity. (I) 0807 - This variant has no previous evidence of pathogenicity. (I) 0905 - No published segregation evidence has been identified for this variant. (I) 1007 - No published functional evidence has been identified for this variant. (I) Legend: (SP) - Supporting pathogenic, (I) - Information, (SB) - Supporting benign

Literature cited by the submitters: PubMed 23000143; PubMed 25740848.